The following is an entry in ClinVar:

ClinVar aggregate classification (germline): Benign/Likely benign. Review status: criteria provided, multiple submitters, no conflicts (2 of 4 stars). 5 submissions from 5 submitters: Benign (1); Likely benign (3). 1 of the submissions does not count toward it. Last evaluated 2026-07-01.

Conditions:
KMT2B-related disorder. Also called: KMT2B-related disorders; KMT2B-related condition. Identifiers: MedGen CN381338.
Inborn genetic diseases. Identifiers: MedGen C0950123, MeSH D030342.

Allele frequency attached by ClinVar (database versions not stated): gnomAD 0.00032 and 0.00037; TOPMed 0.00037; gnomAD exomes 0.00042; ESP Exome Variant Server 0.00033.
gnomAD v4.1: 673 of 1,610,736 alleles (0.042%); highest among the groups gnomAD compares: South Asian, 0.048%; 1 homozygote.

Submissions (5):

Ambry Genetics
Classification: Likely benign for Inborn genetic diseases. Last evaluated: 2026-07-01. Review status: criteria provided, single submitter. Criteria: Ambry Variant Classification Scheme 2023. Collection method: clinical testing. Allele origin: germline.

Labcorp Genetics (formerly Invitae), Labcorp
Classification: Likely benign. Last evaluated: 2024-12-03. Review status: criteria provided, single submitter. Criteria: Invitae Variant Classification Sherloc (09022015). Collection method: clinical testing. Allele origin: germline.

Blueprint Genetics
Classification: Likely benign. Last evaluated: 2024-09-23. Review status: criteria provided, single submitter. Criteria: ACMG Guidelines, 2015. Collection method: clinical testing. Allele origin: germline.

GeneDx
Classification: Benign. Last evaluated: 2021-02-22. Review status: criteria provided, single submitter. Criteria: GeneDx Variant Classification Process June 2021. Collection method: clinical testing. Allele origin: germline. Affected: yes.

PreventionGenetics, part of Exact Sciences
Classification: Likely benign for KMT2B-related condition. Last evaluated: 2022-02-28. Review status: no assertion criteria provided. Collection method: clinical testing. Allele origin: germline. Not counted in ClinVar's aggregate classification.
Comment: This variant is classified as likely benign based on ACMG/AMP sequence variant interpretation guidelines (Richards et al. 2015 PMID: 25741868, with internal and published modifications).

NM_014727.3(KMT2B):c.2489C>A (p.Ala830Asp)

Gene: KMT2B (lysine methyltransferase 2B; plus strand). Cytogenetic location: 19q13.12.
Variant type: single nucleotide variant.
Coding change: c.2489C>A on transcript NM_014727.3 (MANE Select); coding-DNA position 2489, C replaced by A.
Protein change: p.Ala830Asp; replaces alanine 830 with aspartic acid.
Molecular consequence: missense variant.
Genome position (GRCh38, 1-based): chr19:35,722,390, C>A. VCF-style: chr19-35722390-C-A. GRCh37 (hg19) VCF-style: chr19-36213292-C-A.
Other names: c.2489C>A (NM_014727.1); short protein forms A830D.
Identifiers: ClinVar variation 1239794 (VCV001239794.13), dbSNP rs201691099, ClinGen allele CA9384467.